The following is an entry in ClinVar:

ClinVar aggregate classification (germline): Uncertain significance. Review status: criteria provided, multiple submitters, no conflicts (2 of 4 stars). 3 submissions from 3 submitters: Uncertain significance (3). Last evaluated 2026-09-14.

Conditions:
Familial thoracic aortic aneurysm and aortic dissection (TAAD). Also called: Thoracic aortic aneurysms and dissections. Identifiers: Orphanet 91387, MedGen C4707243, MONDO:0019625.
Shprintzen-Goldberg syndrome (SGS). Also called: Marfanoid disorder with craniosynostosis type 1; Marfanoid craniosynostosis syndrome; Shprintzen-Goldberg marfanoid syndrome; SHPRINTZEN-GOLDBERG CRANIOSYNOSTOSIS SYNDROME; CRANIOSYNOSTOSIS WITH ARACHNODACTYLY AND ABDOMINAL HERNIAS. Identifiers: Orphanet 2462, MedGen C1321551, MONDO:0008426, OMIM 182212.

Allele frequency attached by ClinVar (database versions not stated): TOPMed 0.00001; gnomAD exomes below 0.00001; ExAC 0.00001.
gnomAD v4.1: 4 of 1,613,514 alleles (0.00025%); highest among the groups gnomAD compares: Non-Finnish European, 0.00017%; no homozygotes.

Submissions (3):

Ambry Genetics
Classification: Uncertain significance for Familial thoracic aortic aneurysm and aortic dissection. Last evaluated: 2026-09-14. Review status: criteria provided, single submitter. Criteria: Ambry Variant Classification Scheme 2023. Collection method: clinical testing. Allele origin: germline.
Comment: The p.P395S variant (also known as c.1183C>T), located in coding exon 3 of the SKI gene, results from a C to T substitution at nucleotide position 1183. The proline at codon 395 is replaced by serine, an amino acid with similar properties. This amino acid position is conserved. In addition, this alteration is predicted to be tolerated by in silico analysis. Based on the available evidence, the clinical significance of this variant remains unclear.

Labcorp Genetics (formerly Invitae), Labcorp
Classification: Uncertain significance for Shprintzen-Goldberg syndrome. Last evaluated: 2025-10-06. Review status: criteria provided, single submitter. Criteria: Invitae Variant Classification Sherloc (09022015). Collection method: clinical testing. Allele origin: germline.
Comment: This sequence change replaces proline, which is neutral and non-polar, with serine, which is neutral and polar, at codon 395 of the SKI protein (p.Pro395Ser). This variant is present in population databases (rs773512836, gnomAD 0.0009%). This variant has not been reported in the literature in individuals affected with SKI-related conditions. ClinVar contains an entry for this variant (Variation ID: 213691). Invitae Evidence Modeling of protein sequence and biophysical properties (such as structural, functional, and spatial information, amino acid conservation, physicochemical variation, residue mobility, and thermodynamic stability) indicates that this missense variant is not expected to disrupt SKI protein function with a negative predictive value of 95%. In summary, the available evidence is currently insufficient to determine the role of this variant in disease. Therefore, it has been classified as a Variant of Uncertain Significance.

GeneDx
Classification: Uncertain significance. Last evaluated: 2015-03-02. Review status: criteria provided, single submitter. Criteria: GeneDx Variant Classification (06012015). Collection method: clinical testing. Allele origin: germline. Affected: yes.
Comment: p.Pro395Ser (P395S) CCA>TCA: c.1183 C>T in exon 3 of the SKI gene (NM_003036.3) A variant of unknown significance has been identified in the SKI gene. The P395S variant has not been published as a mutation or been reported as a benign polymorphism to our knowledge. The P395S variant was not observed in approximately 6500 individuals of European and African American ancestry in the NHLBI Exome Sequencing Project, indicating it is not a common benign variant in these populations. The P395S variant is a non-conservative amino acid substitution, which is likely to impact secondary protein structure as these residues differ in polarity, charge, size and/or other properties. However, this substitution occurs at a position that is poorly conserved across species and is located in an unknown functional domain. In silico analysis predicts this variant likely does not alter the protein structure/function. Furthermore, missense mutations in nearby residues have not been reported in association with SGS or SKI-related disorder. Therefore, based on the currently available information, it is unclear whether this variant is a pathogenic mutation or a rare benign variant. This variant was found in TAADV2-1

NM_003036.4(SKI):c.1183C>T (p.Pro395Ser)

Gene: SKI (SKI proto-oncogene; plus strand). Cytogenetic location: 1p36.32.
Variant type: single nucleotide variant.
Coding change: c.1183C>T on transcript NM_003036.4 (MANE Select); coding-DNA position 1183, C replaced by T.
Protein change: p.Pro395Ser; replaces proline 395 with serine.
Molecular consequence: missense variant.
Genome position (GRCh38, 1-based): chr1:2,303,372, C>T. VCF-style: chr1-2303372-C-T. GRCh37 (hg19) VCF-style: chr1-2234811-C-T.
Other names: p.P395S:CCA>TCA; short protein forms P395S.
Identifiers: ClinVar variation 213691 (VCV000213691.4), dbSNP rs773512836, ClinGen allele CA323368.